The following is an entry in ClinVar:

ClinVar aggregate classification (germline): Uncertain significance (1 of 4 stars; one submission).

Conditions:
Familial thoracic aortic aneurysm and aortic dissection (TAAD). Also called: Thoracic aortic aneurysms and dissections. Identifiers: Orphanet 91387, MedGen C4707243, MONDO:0019625.
Marfan syndrome (MFS). Also called: MARFAN SYNDROME, TYPE I; Marfan syndrome type 1; Marfan's syndrome; Marfan syndrome, classic; FBN1-Related Marfan Syndrome. Identifiers: Orphanet 284963, Orphanet 558, MedGen C0024796, MONDO:0007947, OMIM 154700.

Allele frequency attached by ClinVar (database versions not stated): gnomAD exomes below 0.00001.
gnomAD v4.1: 2 of 1,613,586 alleles (0.00012%); highest among the groups gnomAD compares: Non-Finnish European, 0.00017%; no homozygotes.

Submission:

Labcorp Genetics (formerly Invitae), Labcorp
Classification: Uncertain significance for Marfan syndrome; Familial thoracic aortic aneurysm and aortic dissection. Last evaluated: 2021-04-28. Review status: criteria provided, single submitter. Criteria: Invitae Variant Classification Sherloc (09022015). Collection method: clinical testing. Allele origin: germline.
Comment: This sequence change affects codon 70 of the FBN1 mRNA. It is a 'silent' change, meaning that it does not change the encoded amino acid sequence of the FBN1 protein. This variant is not present in population databases (ExAC no frequency). This variant has not been reported in the literature in individuals with FBN1-related conditions. Algorithms developed to predict the effect of sequence changes on RNA splicing suggest that this variant may create or strengthen a splice site, but this prediction has not been confirmed by published transcriptional studies. In summary, the available evidence is currently insufficient to determine the role of this variant in disease. Therefore, it has been classified as a Variant of Uncertain Significance.

NM_000138.5(FBN1):c.210A>T (p.Gly70=)

Gene: FBN1 (fibrillin 1; minus strand). Cytogenetic location: 15q21.1.
Variant type: single nucleotide variant.
Coding change: c.210A>T on transcript NM_000138.5 (MANE Select); coding-DNA position 210, A replaced by T.
Protein change: p.Gly70=; no amino-acid change (glycine 70 retained).
Molecular consequence: synonymous variant.
Genome position (GRCh38, 1-based): chr15:48,613,047, T>A on the plus strand (A>T on the coding strand, the complement: FBN1 is on the minus strand). VCF-style: chr15-48613047-T-A. GRCh37 (hg19) VCF-style: chr15-48905244-T-A.
Other names: c.210A>T, p.Gly70= (NM_001406716.1, NM_001406717.1).
Identifiers: ClinVar variation 1946980 (VCV001946980.2), dbSNP rs2505779175, ClinGen allele CA490090282.
Genomic context (GRCh38, chr15:48,613,047, plus strand): 5'-TGACAAGTTTTCTATTTACTTACGGACAATACACTGATTTCCGCCAGGTAAGGTTTTCCA[T>A]CCAGGGCAACAGTAAGCATTATAACGTGATCCACAGACATTGGGTCTAAAACAAAAACAG-3'
Protein context (NP_000129.3, residues 60-80): GSRYNAYCCP[Gly70=]WKTLPGGNQC